The following is an entry in ClinVar:

ClinVar aggregate classification (germline): Likely benign (1 of 4 stars; one submission).

Conditions:
DGUOK-related disorder. Also called: DGUOK-related condition.

Submission:

PreventionGenetics, part of Exact Sciences
Classification: Likely benign for DGUOK-related condition. Last evaluated: 2026-03-03. Review status: criteria provided, single submitter. Criteria: ACMG Guidelines, 2015. Collection method: clinical testing. Allele origin: germline.
Comment: This variant is classified as likely benign based on ACMG/AMP sequence variant interpretation guidelines (Richards et al. 2015 PMID: 25741868, with internal and published modifications).

NM_080916.3(DGUOK):c.-6G>C

Gene: DGUOK (deoxyguanosine kinase; plus strand). Cytogenetic location: 2p13.1.
Variant type: single nucleotide variant.
Coding change: c.-6G>C on transcript NM_080916.3 (MANE Select); 6 bases upstream of the start codon, G replaced by C.
Molecular consequence: 5 prime UTR variant. On other transcripts: non-coding transcript variant (6).
Genome position (GRCh38, 1-based): chr2:73,926,905, G>C. VCF-style: chr2-73926905-G-C. GRCh37 (hg19) VCF-style: chr2-74154032-G-C.
Other names: c.-6G>C (NM_001318859.2, NM_080918.3); c.-184G>C (NM_001318860.2, NM_001318863.2); c.-270G>C (NM_001318861.2, NM_001318862.2).
Identifiers: ClinVar variation 4998052 (VCV004998052.1).